The following is an entry in ClinVar:

ClinVar aggregate classification (germline): Uncertain significance. Review status: criteria provided, multiple submitters, no conflicts (2 of 4 stars). 2 submissions from 2 submitters: Uncertain significance (2). Last evaluated 2024-09-09.

Conditions:
Cardiovascular phenotype. Identifiers: MedGen CN230736.
Spinocerebellar ataxia type 19/22 (SCA19). Also called: SPINOCEREBELLAR ATAXIA 19; SPINOCEREBELLAR ATAXIA 22. Identifiers: Orphanet 98772, MedGen C1846367, MONDO:0011819, OMIM 607346.

Allele frequency attached by ClinVar (database versions not stated): gnomAD exomes below 0.00001.
gnomAD v4.1: 5 of 1,614,078 alleles (0.00031%); highest among the groups gnomAD compares: South Asian, 0.0011%; no homozygotes.

Submissions (2):

Labcorp Genetics (formerly Invitae), Labcorp
Classification: Uncertain significance for Spinocerebellar ataxia type 19/22. Last evaluated: 2024-09-09. Review status: criteria provided, single submitter. Criteria: Invitae Variant Classification Sherloc (09022015). Collection method: clinical testing. Allele origin: germline.
Comment: This sequence change replaces aspartic acid, which is acidic and polar, with asparagine, which is neutral and polar, at codon 599 of the KCND3 protein (p.Asp599Asn). This variant is present in population databases (no rsID available, gnomAD 0.005%). This variant has not been reported in the literature in individuals affected with KCND3-related conditions. ClinVar contains an entry for this variant (Variation ID: 2359713). An algorithm developed to predict the effect of missense changes on protein structure and function (PolyPhen-2) suggests that this variant is likely to be disruptive. In summary, the available evidence is currently insufficient to determine the role of this variant in disease. Therefore, it has been classified as a Variant of Uncertain Significance.

Ambry Genetics
Classification: Uncertain significance for Cardiovascular phenotype. Last evaluated: 2024-05-30. Review status: criteria provided, single submitter. Criteria: Ambry Variant Classification Scheme 2023. Collection method: clinical testing. Allele origin: germline.
Comment: The p.D599N variant (also known as c.1795G>A), located in coding exon 7 of the KCND3 gene, results from a G to A substitution at nucleotide position 1795. The aspartic acid at codon 599 is replaced by asparagine, an amino acid with highly similar properties. This amino acid position is conserved. In addition, this alteration is predicted to be tolerated by in silico analysis. Based on the available evidence, the clinical significance of this variant remains unclear.

NM_001378969.1(KCND3):c.1795G>A (p.Asp599Asn)

Gene: KCND3 (potassium voltage-gated channel subfamily D member 3; minus strand). Cytogenetic location: 1p13.2.
Variant type: single nucleotide variant.
Coding change: c.1795G>A on transcript NM_001378969.1 (MANE Select); coding-DNA position 1795, G replaced by A.
Protein change: p.Asp599Asn; replaces aspartic acid 599 with asparagine.
Molecular consequence: missense variant.
Genome position (GRCh38, 1-based): chr1:111,776,250, C>T on the plus strand (G>A on the coding strand, the complement: KCND3 is on the minus strand). VCF-style: chr1-111776250-C-T. GRCh37 (hg19) VCF-style: chr1-112318872-C-T.
Other names: c.1738G>A, p.Asp580Asn (NM_001378970.1, NM_172198.3); c.1795G>A, p.Asp599Asn (NM_004980.5); short protein forms D580N, D599N.
Identifiers: ClinVar variation 2359713 (VCV002359713.5), dbSNP rs1212724994, ClinGen allele CA341655715.
Genomic context (GRCh38, chr1:111,776,250, plus strand): 5'-TGGGGATGCTGATGATGGCTGTGGTGATCTGGGATGTTTTGCAGTTTGGTCTCAGTCCGT[C>T]GTCTGCTTTCAAATTAAGGCTGGAGCGACTGGGATAGAAAAGAGTGAGTTGATGATGGTT-3'
Protein context (NP_001365898.1, residues 589-609): SRSSLNLKAD[Asp599Asn]GLRPNCKTSQ